The following is an entry in ClinVar:

NM_182961.4(SYNE1):c.22433A>C (p.Lys7478Thr)

Gene: SYNE1 (spectrin repeat containing nuclear envelope protein 1; minus strand). Cytogenetic location: 6q25.2.
Variant type: single nucleotide variant.
Coding change: c.22433A>C on transcript NM_182961.4 (MANE Select); coding-DNA position 22433, A replaced by C.
Protein change: p.Lys7478Thr; replaces lysine 7478 with threonine.
Molecular consequence: missense variant.
Genome position (GRCh38, 1-based): chr6:152,213,673, T>G on the plus strand (A>C on the coding strand, the complement: SYNE1 is on the minus strand). VCF-style: chr6-152213673-T-G. GRCh37 (hg19) VCF-style: chr6-152534808-T-G.
Other names: c.22220A>C, p.Lys7407Thr (NM_033071.5); short protein forms K7407T, K7478T.
Identifiers: ClinVar variation 2039739 (VCV002039739.4), dbSNP rs2551439210, ClinGen allele CA366099237.

ClinVar aggregate classification (germline): Uncertain significance (1 of 4 stars; one submission).

Conditions:
Emery-Dreifuss muscular dystrophy 4, autosomal dominant (EDMD4). Also called: EMERY-DREIFUSS MUSCULAR DYSTROPHY 4 WITH VARIABLE FEATURES. Identifiers: Orphanet 261, MedGen C2751807, MONDO:0013071, OMIM 612998.
Autosomal recessive ataxia, Beauce type. Also called: SYNE1 Deficiency; Spinocerebellar ataxia, autosomal recessive 8; ATAXIA, RECESSIVE, OF BEAUCE; SYNE1-Related Autosomal Recessive Cerebellar Ataxia. Identifiers: Orphanet 88644, MedGen C1853116, MONDO:0012549, OMIM 610743.

Submission:

Labcorp Genetics (formerly Invitae), Labcorp
Classification: Uncertain significance for Emery-Dreifuss muscular dystrophy 4, autosomal dominant; Autosomal recessive ataxia, Beauce type. Last evaluated: 2021-12-11. Review status: criteria provided, single submitter. Criteria: Invitae Variant Classification Sherloc (09022015). Collection method: clinical testing. Allele origin: germline.
Comment: In summary, the available evidence is currently insufficient to determine the role of this variant in disease. Therefore, it has been classified as a Variant of Uncertain Significance. This sequence change replaces lysine, which is basic and polar, with threonine, which is neutral and polar, at codon 7407 of the SYNE1 protein (p.Lys7407Thr). This variant is not present in population databases (gnomAD no frequency). This variant has not been reported in the literature in individuals affected with SYNE1-related conditions. Algorithms developed to predict the effect of missense changes on protein structure and function (SIFT, PolyPhen-2, Align-GVGD) all suggest that this variant is likely to be disruptive.